The following is an entry in ClinVar:

NM_006164.5(NFE2L2):c.745G>T (p.Ala249Ser)

Gene: NFE2L2 (NFE2 like bZIP transcription factor 2; minus strand). Cytogenetic location: 2q31.2.
Variant type: single nucleotide variant.
Coding change: c.745G>T on transcript NM_006164.5 (MANE Select); coding-DNA position 745, G replaced by T.
Protein change: p.Ala249Ser; replaces alanine 249 with serine.
Molecular consequence: missense variant.
Genome position (GRCh38, 1-based): chr2:177,231,858, C>A on the plus strand (G>T on the coding strand, the complement: NFE2L2 is on the minus strand). VCF-style: chr2-177231858-C-A. GRCh37 (hg19) VCF-style: chr2-178096586-C-A.
Other names: c.697G>T, p.Ala233Ser (NM_001145412.3, NM_001313900.1, NM_001313901.1); c.676G>T, p.Ala226Ser (NM_001145413.3); c.655G>T, p.Ala219Ser (NM_001313902.2); c.526G>T, p.Ala176Ser (NM_001313903.2); c.445G>T, p.Ala149Ser (NM_001313904.1); short protein forms A149S, A226S, A176S, A219S, A233S, A249S.
Identifiers: ClinVar variation 2088258 (VCV002088258.5), dbSNP rs2105454055, ClinGen allele CA349373860.
Genomic context (GRCh38, chr2:177,231,858, plus strand): 5'-TCACTGTCAACTGGTTGGGGTCTTCTGTGGAGAGGATGCTGCTGAAGGAATCCTCAAAAG[C>A]ATTAAGAAAATGTGGACTACAGTTACCTACTTCTTTTTCCATTGAGGGTATAGATGAGTA-3'
Protein context (NP_006155.2, residues 239-259): VGNCSPHFLN[Ala249Ser]FEDSFSSILS

ClinVar aggregate classification (germline): Uncertain significance. Review status: criteria provided, multiple submitters, no conflicts (2 of 4 stars). 2 submissions from 2 submitters: Uncertain significance (2). Last evaluated 2025-03-18.

Conditions:
Immunodeficiency, developmental delay, and hypohomocysteinemia. Identifiers: MedGen C4540293, MONDO:0060591, OMIM 617744.

Submissions (2):

Next Generation Genetic Polyclinic
Classification: Uncertain significance for Immunodeficiency, developmental delay, and hypohomocysteinemia. Last evaluated: 2025-03-18. Review status: criteria provided, single submitter. Criteria: ACMG Guidelines, 2015. Collection method: curation. Allele origin: germline. Affected: yes. Observed: 1 variant allele.
Comment: Novel missense variant in NFE2L2 gene (c.745G>T; p.Ala249Ser), located in a moderately conserved residue within the Neh5 regulatory domain. In silico predictions are conflicting, and there is currently no functional evidence or disease association for this specific change. Variant is absent from gnomAD and other population databases (PM2). No reports in ClinVar or literature. Detected in homozygous state. Currently classified as Variant of Uncertain Significance (VUS). Meets ACMG criteria: PM2.

Labcorp Genetics (formerly Invitae), Labcorp
Classification: Uncertain significance. Last evaluated: 2022-08-09. Review status: criteria provided, single submitter. Criteria: Invitae Variant Classification Sherloc (09022015). Collection method: clinical testing. Allele origin: germline.
Comment: In summary, the available evidence is currently insufficient to determine the role of this variant in disease. Therefore, it has been classified as a Variant of Uncertain Significance. Algorithms developed to predict the effect of missense changes on protein structure and function (SIFT, PolyPhen-2, Align-GVGD) all suggest that this variant is likely to be tolerated. This variant has not been reported in the literature in individuals affected with NFE2L2-related conditions. This variant is not present in population databases (gnomAD no frequency). This sequence change replaces alanine, which is neutral and non-polar, with serine, which is neutral and polar, at codon 249 of the NFE2L2 protein (p.Ala249Ser).